The following is an entry in ClinVar:

ClinVar aggregate classification (germline): Uncertain significance (1 of 4 stars; one submission).

Conditions:
Bethlem myopathy 1A. Also called: Bethlem myopathy 1; Bethlem Muscular Dystrophy; MYOPATHY, BENIGN CONGENITAL, WITH CONTRACTURES. Identifiers: Orphanet 610, MedGen CN029274, MONDO:0024530, OMIM 158810.

Allele frequency attached by ClinVar (database versions not stated): gnomAD exomes below 0.00001.
gnomAD v4.1: 1 of 1,614,158 alleles (0.000062%); highest among the groups gnomAD compares: Admixed American, 0.0017%; no homozygotes.

Submission:

Labcorp Genetics (formerly Invitae), Labcorp
Classification: Uncertain significance for Bethlem myopathy 1A. Last evaluated: 2021-08-02. Review status: criteria provided, single submitter. Criteria: Invitae Variant Classification Sherloc (09022015). Collection method: clinical testing. Allele origin: germline.
Comment: This variant is not present in population databases (ExAC no frequency). In summary, the available evidence is currently insufficient to determine the role of this variant in disease. Therefore, it has been classified as a Variant of Uncertain Significance. Algorithms developed to predict the effect of missense changes on protein structure and function are either unavailable or do not agree on the potential impact of this missense change (SIFT: "Deleterious"; PolyPhen-2: "Probably Damaging"; Align-GVGD: "Class C0"). This variant has not been reported in the literature in individuals affected with COL6A3-related conditions. This sequence change replaces aspartic acid with asparagine at codon 639 of the COL6A3 protein (p.Asp639Asn). The aspartic acid residue is highly conserved and there is a small physicochemical difference between aspartic acid and asparagine.

NM_004369.4(COL6A3):c.1915G>A (p.Asp639Asn)

Gene: COL6A3 (collagen type VI alpha 3 chain; minus strand). Cytogenetic location: 2q37.3.
Variant type: single nucleotide variant.
Coding change: c.1915G>A on transcript NM_004369.4 (MANE Select); coding-DNA position 1915, G replaced by A.
Protein change: p.Asp639Asn; replaces aspartic acid 639 with asparagine.
Molecular consequence: missense variant. On other transcripts: intron variant (1).
Genome position (GRCh38, 1-based): chr2:237,379,218, C>T on the plus strand (G>A on the coding strand, the complement: COL6A3 is on the minus strand). VCF-style: chr2-237379218-C-T. GRCh37 (hg19) VCF-style: chr2-238287861-C-T.
Other names: c.694G>A, p.Asp232Asn (NM_057164.5); c.1297G>A, p.Asp433Asn (NM_057165.5, NM_057167.4); c.676+1697G>A (NM_057166.5); short protein forms D232N, D433N, D639N.
Identifiers: ClinVar variation 1479757 (VCV001479757.6), dbSNP rs1181696188, ClinGen allele CA351215255.